The following is an entry in ClinVar:

NM_022124.6(CDH23):c.3620T>C (p.Val1207Ala)

Genes: C10orf105 (chromosome 10 open reading frame 105; minus strand), CDH23 (cadherin related 23; plus strand). Cytogenetic location: 10q22.1.
Variant type: single nucleotide variant.
Coding change: c.3620T>C on transcript NM_022124.6 (MANE Select); coding-DNA position 3620, T replaced by C.
Protein change: p.Val1207Ala; replaces valine 1207 with alanine.
Molecular consequence: missense variant. On other transcripts: intron variant (1).
Genome position (GRCh38, 1-based): chr10:71,730,509, T>C. VCF-style: chr10-71730509-T-C. GRCh37 (hg19) VCF-style: chr10-73490266-T-C.
Other names: c.3620T>C, p.Val1207Ala (NM_001171930.2); c.-6+7219A>G (NM_001168390.2); short protein forms V1207A.
Identifiers: ClinVar variation 3906588 (VCV003906588.1).
Genomic context (GRCh38, chr10:71,730,509, plus strand): 5'-CCCTGGCCCGGCTCCCACAGGTGATTGTGTACGTGGAGGACATCAACGATGAGGCCCCCG[T>C]GTTCACACAGCAGCAGTACAGCCGTCTGGGGCTTCGAGAGACCGCAGGCATTGGAACGTC-3'
Protein context (NP_071407.4, residues 1197-1217): YVEDINDEAP[Val1207Ala]FTQQQYSRLG

ClinVar aggregate classification (germline): Uncertain significance (1 of 4 stars; one submission).

gnomAD v4.1: 2 of 1,613,930 alleles (0.00012%); highest among the groups gnomAD compares: Non-Finnish European, 0.00017%; no homozygotes.

Submission:

GeneDx
Classification: Uncertain significance. Last evaluated: 2024-12-17. Review status: criteria provided, single submitter. Criteria: GeneDx Variant Classification Process June 2021. Collection method: clinical testing. Allele origin: germline. Affected: yes.
Comment: Not observed at significant frequency in large population cohorts (gnomAD); In silico analysis supports that this missense variant has a deleterious effect on protein structure/function; Has not been previously published as pathogenic or benign to our knowledge